The following is an entry in ClinVar:

ClinVar aggregate classification (germline): Pathogenic/Likely pathogenic. Review status: criteria provided, multiple submitters, no conflicts (2 of 4 stars). 3 submissions from 3 submitters: Pathogenic (2); Likely pathogenic (1). Last evaluated 2024-06-04.

Conditions:
Marshall-Smith syndrome (MRSHSS). Identifiers: Orphanet 561, MedGen C0265211, MONDO:0011244, OMIM 602535.
Malan overgrowth syndrome (MALNS). Also called: MALAN SYNDROME; NFIX-Related Malan Syndrome; Sotos syndrome 2. Identifiers: Orphanet 420179, MedGen C3553660, MONDO:0013885, OMIM 614753.

Submissions (3):

Labcorp Genetics (formerly Invitae), Labcorp
Classification: Pathogenic for Malan overgrowth syndrome; Marshall-Smith syndrome. Last evaluated: 2024-06-04. Review status: criteria provided, single submitter. Criteria: Invitae Variant Classification Sherloc (09022015). Collection method: clinical testing. Allele origin: germline.
Comment: This sequence change creates a premature translational stop signal (p.Gln221*) in the NFIX gene. It is expected to result in an absent or disrupted protein product. Loss-of-function variants in NFIX are known to be pathogenic (PMID: 20673863, 20949508, 24924640, 25118028). This variant is not present in population databases (gnomAD no frequency). This variant has not been reported in the literature in individuals affected with NFIX-related conditions. ClinVar contains an entry for this variant (Variation ID: 280162). For these reasons, this variant has been classified as Pathogenic.

GeneDx
Classification: Pathogenic. Last evaluated: 2017-05-22. Review status: criteria provided, single submitter. Criteria: GeneDx Variant Classification (06012015). Collection method: clinical testing. Allele origin: germline. Affected: yes.
Comment: The Q221X nonsense pathogenic variant in the NFIX gene is predicted to cause loss of normal protein function either through protein truncation or nonsense-mediated mRNA decay. It was not observed in approximately 6,000 individuals of European and African American ancestry in the NHLBI Exome Sequencing Project, indicating it is not a common benign variant in these populations. Although this variant has not been previously reported to our knowledge, we consider it to be pathogenic.

Molecular Genetics Lab, CHRU Brest
Classification: Likely pathogenic for Malan overgrowth syndrome; Marshall-Smith syndrome. Review status: criteria provided, single submitter. Criteria: ACMG Guidelines, 2015. Collection method: clinical testing. Allele origin: unknown. Affected: yes.

Literature cited by the submitters: PubMed 20673863 (cited by Labcorp Genetics (formerly Invitae), Labcorp); PubMed 20949508 (cited by Labcorp Genetics (formerly Invitae), Labcorp); PubMed 24924640 (cited by Labcorp Genetics (formerly Invitae), Labcorp); PubMed 25118028 (cited by Labcorp Genetics (formerly Invitae), Labcorp).

NM_001365902.3(NFIX):c.637C>T (p.Gln213Ter)

Gene: NFIX (nuclear factor I X; plus strand). Cytogenetic location: 19p13.13.
Variant type: single nucleotide variant.
Coding change: c.637C>T on transcript NM_001365902.3 (MANE Select); coding-DNA position 637, C replaced by T.
Protein change: p.Gln213Ter; replaces glutamine 213 with a stop codon.
Molecular consequence: nonsense.
Genome position (GRCh38, 1-based): chr19:13,073,436, C>T. VCF-style: chr19-13073436-C-T. GRCh37 (hg19) VCF-style: chr19-13184250-C-T.
Other names: c.661C>T, p.Gln221Ter (NM_001271043.2); c.613C>T, p.Gln205Ter (NM_001271044.3, NM_001378404.1); c.637C>T, p.Gln213Ter (NM_001365982.2, NM_002501.4); c.496C>T, p.Gln166Ter (NM_001365983.2); c.634C>T, p.Gln212Ter (NM_001365984.2, NM_001365985.2); c.685C>T, p.Gln229Ter (NM_001378405.1); c.637C>T (NM_002501.2); short protein forms Q221*, Q213*, Q205*, Q212*, Q166*, Q229*.
Identifiers: ClinVar variation 280162 (VCV000280162.5), dbSNP rs886041422, ClinGen allele CA10603514.